The following is an entry in ClinVar:

NM_004168.4(SDHA):c.622-7_622-4del

Gene: SDHA (succinate dehydrogenase complex flavoprotein subunit A; plus strand). Cytogenetic location: 5p15.33.
Variant type: Microsatellite.
Coding change: c.622-7_622-4del on transcript NM_004168.4 (MANE Select); 7 bases into the intron before coding-DNA position 622 through 4 bases into the intron before coding-DNA position 622, 4 bases deleted (CTTT; older notation c.622-7_622-4delCTTT).
Molecular consequence: intron variant.
Genome position (GRCh38, 1-based): chr5:228,178-228,181, CTTT deleted; deleting any 4 consecutive bases within chr5:228,174-228,181 gives the same sequence; the c. name uses the placement nearest the transcript's 3' end. VCF-style (leftmost placement, unchanged base first): chr5-228173-CCTTT-C. GRCh37 (hg19) VCF-style: chr5-228288-CCTTT-C.
Other names: c.622-7_622-4del (NM_001330758.2); c.478-7_478-4del (NM_001294332.2).
Identifiers: ClinVar variation 1125079 (VCV001125079.10), dbSNP rs2126557982, ClinGen allele CA557112377.
Genomic context (GRCh38, chr5:228,173, plus strand): 5'-TGAGCAGATACCACCTTAAAACCTTAAAGTTTGGCTTAACACTTCTTGCCCTTTTTTTTT[CCTTT>C]CTTTTAGTCTCTGCGATATGATACCAGCTATTTTGTGGAGTATTTTGCCTTGGATCTCCT-3'

ClinVar aggregate classification (germline): Likely benign. Review status: criteria provided, multiple submitters, no conflicts (2 of 4 stars). 2 submissions from 2 submitters: Likely benign (2). Last evaluated 2025-03-03.

Conditions:
Pheochromocytoma/paraganglioma syndrome 5. Also called: Paragangliomas 5; SDHA-Related Hereditary Paraganglioma-Pheochromocytoma Syndrome. Identifiers: Orphanet 29072, MedGen C3279992, MONDO:0013602, OMIM 614165.
Mitochondrial complex II deficiency, nuclear type 1. Also called: SUCCINATE CoQ REDUCTASE DEFICIENCY. Identifiers: Orphanet 3208, MedGen C5700310, MONDO:0100294, OMIM 252011.

Submissions (2):

Myriad Genetics, Inc.
Classification: Likely benign for Pheochromocytoma/paraganglioma syndrome 5. Last evaluated: 2025-03-03. Review status: criteria provided, single submitter. Criteria: Myriad Autosomal Dominant, Autosomal Recessive and X-Linked Classification Criteria (2023). Collection method: clinical testing. Allele origin: unknown.
Comment: This variant is considered likely benign. This variant is intronic and is not expected to impact mRNA splicing.

Labcorp Genetics (formerly Invitae), Labcorp
Classification: Likely benign for Pheochromocytoma/paraganglioma syndrome 5; Mitochondrial complex II deficiency, nuclear type 1. Last evaluated: 2024-08-22. Review status: criteria provided, single submitter. Criteria: Invitae Variant Classification Sherloc (09022015). Collection method: clinical testing. Allele origin: germline.